The following is an entry in ClinVar:

ClinVar aggregate classification (germline): Conflicting classifications of pathogenicity. Review status: criteria provided, conflicting classifications (1 of 4 stars). 4 submissions from 4 submitters: Uncertain significance (3); Likely benign (1). Last evaluated 2024-02-10.

Conditions:
Hereditary breast ovarian cancer syndrome. Also called: Hereditary breast and ovarian cancer; Hereditary breast and/or ovarian cancer syndrome; Hereditary breast and ovarian cancer syndrome; Hereditary breast and ovarian cancer syndrome (HBOC); Breast and ovarian cancer; BRCA1- and BRCA2-Associated Hereditary Breast and Ovarian Cancer. Identifiers: Orphanet 145, MedGen C0677776, MeSH D061325, MONDO:0003582. Disease mechanism: loss of function.
Hereditary cancer-predisposing syndrome. Also called: Hereditary neoplastic syndrome; Tumor predisposition; Neoplastic Syndromes, Hereditary; Hereditary Cancer Syndrome. Identifiers: Orphanet 140162, MedGen C0027672, MeSH D009386, MONDO:0015356.

Submissions (4):

Ambry Genetics
Classification: Uncertain significance for Hereditary cancer-predisposing syndrome. Last evaluated: 2024-02-10. Review status: criteria provided, single submitter. Criteria: Ambry Variant Classification Scheme 2023. Collection method: clinical testing. Allele origin: germline.
Comment: The p.V1447I variant (also known as c.4339G>A), located in coding exon 10 of the BRCA2 gene, results from a G to A substitution at nucleotide position 4339. The valine at codon 1447 is replaced by isoleucine, an amino acid with highly similar properties. This amino acid position is conserved. In addition, this alteration is predicted to be tolerated by in silico analysis. Based on the available evidence, the clinical significance of this alteration remains unclear.

University of Washington Department of Laboratory Medicine, University of Washington
Classification: Likely benign for Hereditary cancer-predisposing syndrome. Last evaluated: 2023-03-23. Review status: criteria provided, single submitter. Criteria: Dines et al. (Genet Med. 2020). Collection method: curation. Allele origin: germline.
Comment: Missense variant in a coldspot region where missense variants are very unlikely to be pathogenic (PMID:31911673).

BRCA2 exon 11 coldspot. Reclassification based on statistical prior probability.

Labcorp Genetics (formerly Invitae), Labcorp
Classification: Uncertain significance for Hereditary breast ovarian cancer syndrome. Last evaluated: 2022-11-06. Review status: criteria provided, single submitter. Criteria: Invitae Variant Classification Sherloc (09022015). Collection method: clinical testing. Allele origin: germline.
Comment: ClinVar contains an entry for this variant (Variation ID: 421349). In summary, the available evidence is currently insufficient to determine the role of this variant in disease. Therefore, it has been classified as a Variant of Uncertain Significance. Advanced modeling of protein sequence and biophysical properties (such as structural, functional, and spatial information, amino acid conservation, physicochemical variation, residue mobility, and thermodynamic stability) performed at Invitae indicates that this missense variant is not expected to disrupt BRCA2 protein function. This variant has not been reported in the literature in individuals affected with BRCA2-related conditions. This variant is not present in population databases (gnomAD no frequency). This sequence change replaces valine, which is neutral and non-polar, with isoleucine, which is neutral and non-polar, at codon 1447 of the BRCA2 protein (p.Val1447Ile).

GeneDx
Classification: Uncertain significance. Last evaluated: 2016-05-31. Review status: criteria provided, single submitter. Criteria: GeneDx Variant Classification (06012015). Collection method: clinical testing. Allele origin: germline. Affected: yes.
Comment: This variant is denoted BRCA2 c.4339G>A at the cDNA level, p.Val1447Ile (V1447I) at the protein level, and results in the change of a Valine to an Isoleucine (GTA>ATA). Using alternate nomenclature, this variant would be defined as BRCA2 4567G>A. This variant has not, to our knowledge, been published in the literature as pathogenic or benign. BRCA2 Val1447Ile was not observed in approximately 6,500 individuals of European and African American ancestry in the NHLBI Exome Sequencing Project, suggesting it is not a common benign variant in these populations. Since Valine and Isoleucine share similar properties, this is considered a conservative amino acid substitution. BRCA2 Val1447Ile occurs at a position that is not conserved and is located in the SCD domain and a region known to interact with multiple other proteins (Chen 1998, Narod 2004, Clark 2012). In silico analyses predict that this variant is unlikely to alter protein structure or function. Based on currently available evidence, it is unclear whether BRCA2 Val1447Ile is a pathogenic or benign variant. We consider it to be a variant of uncertain significance.

NM_000059.4(BRCA2):c.4339G>A (p.Val1447Ile)

Gene: BRCA2 (BRCA2 DNA repair associated; plus strand). Cytogenetic location: 13q13.1.
Variant type: single nucleotide variant.
Coding change: c.4339G>A on transcript NM_000059.4 (MANE Select); coding-DNA position 4339, G replaced by A.
Protein change: p.Val1447Ile; replaces valine 1447 with isoleucine.
Molecular consequence: missense variant.
Genome position (GRCh38, 1-based): chr13:32,338,694, G>A. VCF-style: chr13-32338694-G-A. GRCh37 (hg19) VCF-style: chr13-32912831-G-A.
Other names: short protein forms V1447I.
Identifiers: ClinVar variation 421349 (VCV000421349.8), dbSNP rs1064795076, ClinGen allele CA16619706.
Genomic context (GRCh38, chr13:32,338,694, plus strand): 5'-TTTTTTCAGACTGCAAGTGGGAAAAATATTAGTGTCGCCAAAGAGTCATTTAATAAAATT[G>A]TAAATTTCTTTGATCAGAAACCAGAAGAATTGCATAACTTTTCCTTAAATTCTGAATTAC-3'
Protein context (NP_000050.3, residues 1437-1457): SVAKESFNKI[Val1447Ile]NFFDQKPEEL